The following is an entry in ClinVar:

NM_198699.1(KRTAP10-12):c.154T>C (p.Cys52Arg)

Genes: KRTAP10-12 (keratin associated protein 10-12; plus strand), TSPEAR (thrombospondin type laminin G domain and EAR repeats; minus strand). Cytogenetic location: 21q22.3.
Variant type: single nucleotide variant.
Coding change: c.154T>C on transcript NM_198699.1 (MANE Select); coding-DNA position 154, T replaced by C.
Protein change: p.Cys52Arg; replaces cysteine 52 with arginine.
Molecular consequence: missense variant. On other transcripts: intron variant (2).
Genome position (GRCh38, 1-based): chr21:44,697,355, T>C. VCF-style: chr21-44697355-T-C. GRCh37 (hg19) VCF-style: chr21-46117270-T-C.
Other names: c.82+14078A>G (NM_144991.3); c.-184-6749A>G (NM_001272037.2); short protein forms C52R.
Identifiers: ClinVar variation 5039190 (VCV005039190.1).

ClinVar aggregate classification (germline): Likely benign (1 of 4 stars; one submission).

gnomAD v4.1: 2 of 1,613,288 alleles (0.00012%); highest among the groups gnomAD compares: Admixed American, 0.0033%; no homozygotes.

Submission:

CeGaT Center for Human Genetics Tuebingen
Classification: Likely benign. Last evaluated: 2026-08-01. Review status: criteria provided, single submitter. Criteria: CeGaT Center For Human Genetics Tuebingen Variant Classification Criteria Version 2. Collection method: clinical testing. Allele origin: germline. Affected: yes. Observed: 1 variant allele.
Comment: KRTAP10-12: BP4